The following is an entry in ClinVar:

ClinVar aggregate classification (germline): Uncertain significance. Review status: criteria provided, multiple submitters, no conflicts (2 of 4 stars). 2 submissions from 2 submitters: Uncertain significance (2). Last evaluated 2026-08-17.

Conditions:
Bethlem myopathy 1A. Also called: Bethlem Muscular Dystrophy; MYOPATHY, BENIGN CONGENITAL, WITH CONTRACTURES; Bethlem myopathy 1. Identifiers: Orphanet 610, MedGen CN029274, MONDO:0024530, OMIM 158810.
Inborn genetic diseases. Identifiers: MedGen C0950123, MeSH D030342.

Submissions (2):

Ambry Genetics
Classification: Uncertain significance for Inborn genetic diseases. Last evaluated: 2026-08-17. Review status: criteria provided, single submitter. Criteria: Ambry Variant Classification Scheme 2023. Collection method: clinical testing. Allele origin: germline.

Labcorp Genetics (formerly Invitae), Labcorp
Classification: Uncertain significance for Bethlem myopathy 1A. Last evaluated: 2023-04-16. Review status: criteria provided, single submitter. Criteria: Invitae Variant Classification Sherloc (09022015). Collection method: clinical testing. Allele origin: germline.
Comment: This sequence change replaces phenylalanine, which is neutral and non-polar, with leucine, which is neutral and non-polar, at codon 671 of the COL6A2 protein (p.Phe671Leu). This variant is not present in population databases (gnomAD no frequency). This variant has not been reported in the literature in individuals affected with COL6A2-related conditions. Advanced modeling of protein sequence and biophysical properties (such as structural, functional, and spatial information, amino acid conservation, physicochemical variation, residue mobility, and thermodynamic stability) performed at Invitae indicates that this missense variant is expected to disrupt COL6A2 protein function. In summary, the available evidence is currently insufficient to determine the role of this variant in disease. Therefore, it has been classified as a Variant of Uncertain Significance.

NM_001849.4(COL6A2):c.2011T>C (p.Phe671Leu)

Gene: COL6A2 (collagen type VI alpha 2 chain; plus strand). Cytogenetic location: 21q22.3.
Variant type: single nucleotide variant.
Coding change: c.2011T>C on transcript NM_001849.4 (MANE Select); coding-DNA position 2011, T replaced by C.
Protein change: p.Phe671Leu; replaces phenylalanine 671 with leucine.
Molecular consequence: missense variant.
Genome position (GRCh38, 1-based): chr21:46,125,826, T>C. VCF-style: chr21-46125826-T-C. GRCh37 (hg19) VCF-style: chr21-47545740-T-C.
Other names: c.2011T>C, p.Phe671Leu (NM_058174.3, NM_058175.3); short protein forms F671L.
Identifiers: ClinVar variation 2870707 (VCV002870707.4), dbSNP rs2517017380, ClinGen allele CA410539783.
Genomic context (GRCh38, chr21:46,125,826, plus strand): 5'-TCACGCGTGCGGCTTGCAGGGACGCGTGTGGGCGTGGTGCAGTACAGCCACGAGGGCACC[T>C]TTGAGGCCATCCAGCTGGACGACGAACGTATCGACTCCCTGTCGAGCTTCAAGGAGGCTG-3'
Protein context (NP_001840.3, residues 661-681): GVVQYSHEGT[Phe671Leu]EAIQLDDERI